The following is an entry in ClinVar:

ClinVar aggregate classification (germline): Uncertain significance. Review status: criteria provided, single submitter (1 of 4 stars). 2 submissions from 2 submitters: Uncertain significance (1). 1 of the submissions does not count toward it. Last evaluated 2020-04-23.

Conditions:
Anauxetic dysplasia. Identifiers: Orphanet 93347, MedGen C1846796, MONDO:0011773.
Metaphyseal chondrodysplasia, McKusick type (CHH). Also called: Cartilage-Hair Hypoplasia (CHH); Cartilage-hair hypoplasia. Identifiers: Orphanet 175, MedGen C0220748, MONDO:0009595, OMIM 250250.

Allele frequency attached by ClinVar (database versions not stated): TOPMed 0.00009.
gnomAD v4.1: 20 of 693,234 alleles (0.0029%); highest among the groups gnomAD compares: East Asian, 0.008%; no homozygotes.

Submissions (2):

Labcorp Genetics (formerly Invitae), Labcorp
Classification: Uncertain significance for Anauxetic dysplasia. Last evaluated: 2020-04-23. Review status: criteria provided, single submitter. Criteria: Invitae Variant Classification Sherloc (09022015). Collection method: clinical testing. Allele origin: germline.
Comment: This variant occurs in the RMRP gene, which encodes an RNA molecule that does not result in a protein product. The frequency data for this variant in the population databases is considered unreliable, as metrics indicate insufficient coverage at this position in the ExAC database. This variant has not been reported in the literature in individuals with RMRP-related conditions. Experimental studies and prediction algorithms are not available or were not evaluated, and the functional significance of this variant is currently unknown. In summary, the available evidence is currently insufficient to determine the role of this variant in disease. Therefore, it has been classified as a Variant of Uncertain Significance.

Natera, Inc.
Classification: Uncertain significance for Cartilage-hair hypoplasia. Last evaluated: 2020-06-01. Review status: no assertion criteria provided. Collection method: clinical testing. Allele origin: germline. Not counted in ClinVar's aggregate classification.

NR_003051.4(RMRP):n.152A>G

Gene: RMRP (RNA component of mitochondrial RNA processing endoribonuclease; minus strand). Cytogenetic location: 9p13.3.
Variant type: single nucleotide variant.
Genome position: GRCh38 VCF-style: chr9-35657868-T-C. GRCh37 (hg19) VCF-style: chr9-35657865-T-C.
Identifiers: ClinVar variation 1036374 (VCV001036374.3), dbSNP rs534955648, ClinGen allele CA192745599.